The following is an entry in ClinVar:

NM_018706.7(DHTKD1):c.2675G>A (p.Arg892Gln)

Gene: DHTKD1 (dehydrogenase E1 and transketolase domain containing 1; plus strand). Cytogenetic location: 10p14.
Variant type: single nucleotide variant.
Coding change: c.2675G>A on transcript NM_018706.7 (MANE Select); coding-DNA position 2675, G replaced by A.
Protein change: p.Arg892Gln; replaces arginine 892 with glutamine.
Molecular consequence: missense variant.
Genome position (GRCh38, 1-based): chr10:12,120,803, G>A. VCF-style: chr10-12120803-G-A. GRCh37 (hg19) VCF-style: chr10-12162802-G-A.
Other names: short protein forms R892Q.
Identifiers: ClinVar variation 1461459 (VCV001461459.8), dbSNP rs574614585, ClinGen allele CA5408369.

ClinVar aggregate classification (germline): Uncertain significance (1 of 4 stars; one submission).

Conditions:
2-aminoadipic 2-oxoadipic aciduria (AAKAD). Also called: ALPHA-AMINOADIPIC AND ALPHA-KETOADIPIC ACIDURIA; Aminoadipic aciduria. Identifiers: Orphanet 79154, MedGen C1859817, MONDO:0008774, OMIM 204750.

gnomAD v4.1: 18 of 1,614,038 alleles (0.0011%); highest among the groups gnomAD compares: South Asian, 0.0033%; no homozygotes.

Submission:

Labcorp Genetics (formerly Invitae), Labcorp
Classification: Uncertain significance for 2-aminoadipic 2-oxoadipic aciduria. Last evaluated: 2024-11-26. Review status: criteria provided, single submitter. Criteria: Invitae Variant Classification Sherloc (09022015). Collection method: clinical testing. Allele origin: germline.
Comment: This sequence change replaces arginine, which is basic and polar, with glutamine, which is neutral and polar, at codon 892 of the DHTKD1 protein (p.Arg892Gln). This variant is present in population databases (rs574614585, gnomAD 0.006%). This variant has not been reported in the literature in individuals affected with DHTKD1-related conditions. ClinVar contains an entry for this variant (Variation ID: 1461459). Invitae Evidence Modeling of protein sequence and biophysical properties (such as structural, functional, and spatial information, amino acid conservation, physicochemical variation, residue mobility, and thermodynamic stability) indicates that this missense variant is expected to disrupt DHTKD1 protein function with a positive predictive value of 80%. In summary, the available evidence is currently insufficient to determine the role of this variant in disease. Therefore, it has been classified as a Variant of Uncertain Significance.